The following is an entry in ClinVar:

NM_001286.5(CLCN6):c.556G>C (p.Gly186Arg)

Gene: CLCN6 (chloride voltage-gated channel 6; plus strand). Cytogenetic location: 1p36.22.
Variant type: single nucleotide variant.
Coding change: c.556G>C on transcript NM_001286.5 (MANE Select); coding-DNA position 556, G replaced by C.
Protein change: p.Gly186Arg; replaces glycine 186 with arginine.
Molecular consequence: missense variant. On other transcripts: non-coding transcript variant (1).
Genome position (GRCh38, 1-based): chr1:11,823,809, G>C. VCF-style: chr1-11823809-G-C. GRCh37 (hg19) VCF-style: chr1-11883866-G-C.
Other names: c.490G>C, p.Gly164Arg (NM_001256959.2); short protein forms G164R, G186R.
Identifiers: ClinVar variation 1720039 (VCV001720039.5), dbSNP rs2523105817, ClinGen allele CA338427977.

ClinVar aggregate classification (germline): Uncertain significance (1 of 4 stars; one submission).

Submission:

Labcorp Genetics (formerly Invitae), Labcorp
Classification: Uncertain significance. Last evaluated: 2022-09-22. Review status: criteria provided, single submitter. Criteria: Invitae Variant Classification Sherloc (09022015). Collection method: clinical testing. Allele origin: germline.
Comment: In summary, the available evidence is currently insufficient to determine the role of this variant in disease. Therefore, it has been classified as a Variant of Uncertain Significance. Algorithms developed to predict the effect of missense changes on protein structure and function are either unavailable or do not agree on the potential impact of this missense change (SIFT: "Tolerated"; PolyPhen-2: "Probably Damaging"; Align-GVGD: "Class C0"). This variant has not been reported in the literature in individuals affected with CLCN6-related conditions. This variant is not present in population databases (gnomAD no frequency). This sequence change replaces glycine, which is neutral and non-polar, with arginine, which is basic and polar, at codon 186 of the CLCN6 protein (p.Gly186Arg).